The following is an entry in ClinVar:

NM_017617.5(NOTCH1):c.3899C>T (p.Thr1300Ile)

Gene: NOTCH1 (notch receptor 1; minus strand). Cytogenetic location: 9q34.3.
Variant type: single nucleotide variant.
Coding change: c.3899C>T on transcript NM_017617.5 (MANE Select); coding-DNA position 3899, C replaced by T.
Protein change: p.Thr1300Ile; replaces threonine 1300 with isoleucine.
Molecular consequence: missense variant.
Genome position (GRCh38, 1-based): chr9:136,506,718, G>A on the plus strand (C>T on the coding strand, the complement: NOTCH1 is on the minus strand). VCF-style: chr9-136506718-G-A. GRCh37 (hg19) VCF-style: chr9-139401170-G-A.
Other names: short protein forms T1300I.
Identifiers: ClinVar variation 1735961 (VCV001735961.2), dbSNP rs2133343138, ClinGen allele CA375548938.

ClinVar aggregate classification (germline): Uncertain significance (1 of 4 stars; one submission).

Conditions:
Familial thoracic aortic aneurysm and aortic dissection (TAAD). Also called: Thoracic aortic aneurysms and dissections. Identifiers: Orphanet 91387, MedGen C4707243, MONDO:0019625.

gnomAD v4.1: 1 of 1,598,978 alleles (0.000063%); highest among the groups gnomAD compares: Non-Finnish European, 0.000085%; no homozygotes.

Submission:

Ambry Genetics
Classification: Uncertain significance for Familial thoracic aortic aneurysm and aortic dissection. Last evaluated: 2021-07-15. Review status: criteria provided, single submitter. Criteria: Ambry Variant Classification Scheme 2023. Collection method: clinical testing. Allele origin: germline.
Comment: The p.T1300I variant (also known as c.3899C>T), located in coding exon 23 of the NOTCH1 gene, results from a C to T substitution at nucleotide position 3899. The threonine at codon 1300 is replaced by isoleucine, an amino acid with similar properties. This amino acid position is conserved. In addition, this alteration is predicted to be deleterious by in silico analysis. Since supporting evidence is limited at this time, the clinical significance of this alteration remains unclear.